The following is an entry in ClinVar:

ClinVar aggregate classification (germline): Benign. Review status: criteria provided, multiple submitters, no conflicts (2 of 4 stars). 6 submissions from 6 submitters: Benign (6). Last evaluated 2026-01-24.

Conditions:
Primary ciliary dyskinesia. Also called: Ciliary dyskinesia. Identifiers: Orphanet 244, MedGen C0008780, MONDO:0016575, HP:0012265.
Primary ciliary dyskinesia 15. Also called: CILIARY DYSKINESIA, PRIMARY, 15, WITH OR WITHOUT SITUS INVERSUS. Identifiers: Orphanet 244, MedGen C3151137, MONDO:0013435, OMIM 613808.

Allele frequency attached by ClinVar (database versions not stated): gnomAD 0.00071 and 0.00028; gnomAD exomes 0.00088 and 0.00178; TOPMed 0.00070; ExAC 0.00246; 1000 Genomes Project 30x 0.00359; 1000 Genomes Project 0.00459.
gnomAD v4.1: 1,328 of 1,566,090 alleles (0.085%); highest among the groups gnomAD compares: East Asian, 2.8%; 18 homozygotes.

Submissions (6):

Labcorp Genetics (formerly Invitae), Labcorp
Classification: Benign for Primary ciliary dyskinesia. Last evaluated: 2026-01-24. Review status: criteria provided, single submitter. Criteria: Invitae Variant Classification Sherloc (09022015). Collection method: clinical testing. Allele origin: germline.

Mayo Clinic Laboratories, Mayo Clinic
Classification: Benign. Last evaluated: 2024-12-17. Review status: criteria provided, single submitter. Criteria: ACMG Guidelines, 2015. Collection method: clinical testing. Allele origin: germline. Observed: 1 variant allele.
Comment: BS1, BS2, BP4_moderate

Ambry Genetics
Classification: Benign for Primary ciliary dyskinesia. Last evaluated: 2019-04-15. Review status: criteria provided, single submitter. Criteria: Ambry Variant Classification Scheme 2023. Collection method: clinical testing. Allele origin: germline.

Illumina Laboratory Services, Illumina
Classification: Benign for Primary ciliary dyskinesia 15. Last evaluated: 2017-04-27. Review status: criteria provided, single submitter. Criteria: ICSL Variant Classification Criteria 13 December 2019. Collection method: clinical testing. Allele origin: germline.
Comment: This variant was observed as part of a predisposition screen in an ostensibly healthy population. A literature search was performed for the gene, cDNA change, and amino acid change (where applicable). No publications were found based on this search. Allele frequency data from public databases was too high to be consistent with this variant causing disease. Therefore, this variant is classified as benign.

Laboratory for Molecular Medicine, Mass General Brigham Personalized Medicine
Classification: Benign. Last evaluated: 2013-02-21. Review status: criteria provided, single submitter. Criteria: LMM Criteria. Collection method: clinical testing. Allele origin: germline. Observed: 1 variant allele.
Comment: Glu382Lys in exon 7 of CCDC40: This variant is not expected to have clinical sig nificance because it has been identified in 5.2% (10/194) of Han Chinese chromos omes from a broad population by the 1000 Genomes Project (h.gov/projects/SNP; dbSNP rs2289532).

Breakthrough Genomics
Classification: Benign. Review status: criteria provided, single submitter. Criteria: ACMG Guidelines, 2015. Collection method: not provided. Allele origin: germline. Inheritance: Autosomal recessive inheritance. Affected: yes.

NM_017950.4(CCDC40):c.1144G>A (p.Glu382Lys)

Gene: CCDC40 (coiled-coil domain 40 molecular ruler complex subunit; plus strand). Cytogenetic location: 17q25.3.
Variant type: single nucleotide variant.
Coding change: c.1144G>A on transcript NM_017950.4 (MANE Select); coding-DNA position 1144, G replaced by A.
Protein change: p.Glu382Lys; replaces glutamic acid 382 with lysine.
Molecular consequence: missense variant.
Genome position (GRCh38, 1-based): chr17:80,050,268, G>A. VCF-style: chr17-80050268-G-A. GRCh37 (hg19) VCF-style: chr17-78024067-G-A.
Other names: c.1144G>A, p.Glu382Lys (NM_001243342.2, NM_001330508.2); short protein forms E382K.
Identifiers: ClinVar variation 226487 (VCV000226487.23), dbSNP rs2289532, ClinGen allele CA8813696.
Genomic context (GRCh38, chr17:80,050,268, plus strand): 5'-AAGGAGGAGGAGCTGCAGGCCGCCCGCGCTCTCTACACCAAGACCTGCGCAGCCGCCAAC[G>A]AGGAGCGCAAAAAGTGTAAGGCAACCCGGCAGCCCCACACGCCATCCGGTCCTGGAGGGT-3'
Protein context (NP_060420.2, residues 372-392): LYTKTCAAAN[Glu382Lys]ERKKLAALQT